The following is an entry in ClinVar:

NM_007194.4(CHEK2):c.897T>G (p.Ile299Met)

Gene: CHEK2 (checkpoint kinase 2; minus strand). Cytogenetic location: 22q12.1.
Variant type: single nucleotide variant.
Coding change: c.897T>G on transcript NM_007194.4 (MANE Select); coding-DNA position 897, T replaced by G.
Protein change: p.Ile299Met; replaces isoleucine 299 with methionine.
Molecular consequence: missense variant.
Genome position (GRCh38, 1-based): chr22:28,703,516, A>C on the plus strand (T>G on the coding strand, the complement: CHEK2 is on the minus strand). VCF-style: chr22-28703516-A-C. GRCh37 (hg19) VCF-style: chr22-29099504-A-C.
Other names: c.1026T>G, p.Ile342Met (NM_001005735.3); c.234T>G, p.Ile78Met (NM_001257387.3); c.696T>G, p.Ile232Met (NM_001349956.3); c.897T>G, p.Ile299Met (NM_145862.3); short protein forms I299M, I232M, I78M, I342M.
Identifiers: ClinVar variation 1765321 (VCV001765321.5), dbSNP rs2517885258, ClinGen allele CA411100985.

ClinVar aggregate classification (germline): Uncertain significance. Review status: criteria provided, multiple submitters, no conflicts (2 of 4 stars). 3 submissions from 3 submitters: Uncertain significance (3). Last evaluated 2025-05-06.

Conditions:
Hereditary cancer-predisposing syndrome. Also called: Neoplastic Syndromes, Hereditary; Tumor predisposition; Hereditary Cancer Syndrome; Hereditary neoplastic syndrome. Identifiers: Orphanet 140162, MedGen C0027672, MeSH D009386, MONDO:0015356.
Familial cancer of breast. Also called: hereditary breast carcinoma; BREAST CANCER, FAMILIAL; Hereditary breast cancer. Identifiers: Orphanet 227535, MedGen C0346153, MONDO:0016419, OMIM 114480. Disease mechanism: loss of function.

Submissions (3):

Labcorp Genetics (formerly Invitae), Labcorp
Classification: Uncertain significance for Familial cancer of breast. Last evaluated: 2025-05-06. Review status: criteria provided, single submitter. Criteria: Invitae Variant Classification Sherloc (09022015). Collection method: clinical testing. Allele origin: germline.
Comment: This sequence change replaces isoleucine, which is neutral and non-polar, with methionine, which is neutral and non-polar, at codon 299 of the CHEK2 protein (p.Ile299Met). This variant is not present in population databases (gnomAD no frequency). This variant has not been reported in the literature in individuals affected with CHEK2-related conditions. ClinVar contains an entry for this variant (Variation ID: 1765321). An algorithm developed to predict the effect of missense changes on protein structure and function (PolyPhen-2) suggests that this variant is likely to be disruptive. In summary, the available evidence is currently insufficient to determine the role of this variant in disease. Therefore, it has been classified as a Variant of Uncertain Significance.

Baylor Genetics
Classification: Uncertain significance for Familial cancer of breast. Last evaluated: 2023-05-05. Review status: criteria provided, single submitter. Criteria: ACMG Guidelines, 2015. Collection method: clinical testing. Allele origin: unknown.

Ambry Genetics
Classification: Uncertain significance for Hereditary cancer-predisposing syndrome. Last evaluated: 2022-04-08. Review status: criteria provided, single submitter. Criteria: Ambry Variant Classification Scheme 2023. Collection method: clinical testing. Allele origin: germline.
Comment: The p.I299M variant (also known as c.897T>G), located in coding exon 7 of the CHEK2 gene, results from a T to G substitution at nucleotide position 897. The isoleucine at codon 299 is replaced by methionine, an amino acid with highly similar properties. This amino acid position is conserved. In addition, the in silico prediction for this alteration is inconclusive. Since supporting evidence is limited at this time, the clinical significance of this alteration remains unclear.